The following is an entry in ClinVar:

NM_001556.3(IKBKB):c.2119G>A (p.Glu707Lys)

Gene: IKBKB (inhibitor of nuclear factor kappa B kinase subunit beta; plus strand). Cytogenetic location: 8p11.21.
Variant type: single nucleotide variant.
Coding change: c.2119G>A on transcript NM_001556.3 (MANE Select); coding-DNA position 2119, G replaced by A.
Protein change: p.Glu707Lys; replaces glutamic acid 707 with lysine.
Molecular consequence: missense variant. On other transcripts: non-coding transcript variant (3).
Genome position (GRCh38, 1-based): chr8:42,329,128, G>A. VCF-style: chr8-42329128-G-A. GRCh37 (hg19) VCF-style: chr8-42186646-G-A.
Other names: c.1927G>A, p.Glu643Lys (NM_001190720.3); c.1942G>A, p.Glu648Lys (NM_001242778.2); short protein forms E648K, E707K, E643K.
Identifiers: ClinVar variation 646483 (VCV000646483.11), dbSNP rs753511458, ClinGen allele CA4732200.

ClinVar aggregate classification (germline): Uncertain significance. Review status: criteria provided, multiple submitters, no conflicts (2 of 4 stars). 4 submissions from 4 submitters: Uncertain significance (4). Last evaluated 2026-05-24.

Conditions:
IKBKB-related disorder. Also called: IKBKB-related condition.
Severe combined immunodeficiency due to IKK2 deficiency. Also called: IMMUNODEFICIENCY 15B; Immunodeficiency 15. Identifiers: Orphanet 397787, MedGen C4747743, MONDO:0014267, OMIM 615592.
Inborn genetic diseases. Identifiers: MedGen C0950123, MeSH D030342.

Allele frequency attached by ClinVar (database versions not stated): ExAC 0.00001; gnomAD exomes 0.00002; gnomAD 0.00004; TOPMed 0.00006.
gnomAD v4.1: 17 of 1,603,080 alleles (0.0011%); highest among the groups gnomAD compares: Admixed American, 0.03%; no homozygotes.

Submissions (4):

PreventionGenetics, part of Exact Sciences
Classification: Uncertain significance for IKBKB-related condition. Last evaluated: 2026-05-24. Review status: criteria provided, single submitter. Criteria: ACMG Guidelines, 2015. Collection method: clinical testing. Allele origin: germline.
Comment: The IKBKB c.2119G>A variant is predicted to result in the amino acid substitution p.Glu707Lys. To our knowledge, this variant has not been reported in the literature. This variant is reported in 0.019% of alleles in individuals of Latino descent in gnomAD. At this time, the clinical significance of this variant is uncertain due to the absence of conclusive functional and genetic evidence.

Labcorp Genetics (formerly Invitae), Labcorp
Classification: Uncertain significance for Severe combined immunodeficiency due to IKK2 deficiency. Last evaluated: 2026-01-17. Review status: criteria provided, single submitter. Criteria: Invitae Variant Classification Sherloc (09022015). Collection method: clinical testing. Allele origin: germline.
Comment: This sequence change replaces glutamic acid, which is acidic and polar, with lysine, which is basic and polar, at codon 707 of the IKBKB protein (p.Glu707Lys). This variant is present in population databases (rs753511458, gnomAD 0.02%). This variant has not been reported in the literature in individuals affected with IKBKB-related conditions. ClinVar contains an entry for this variant (Variation ID: 646483). Invitae Evidence Modeling of protein sequence and biophysical properties (such as structural, functional, and spatial information, amino acid conservation, physicochemical variation, residue mobility, and thermodynamic stability) indicates that this missense variant is not expected to disrupt IKBKB protein function with a negative predictive value of 95%. In summary, the available evidence is currently insufficient to determine the role of this variant in disease. Therefore, it has been classified as a Variant of Uncertain Significance.

Ambry Genetics
Classification: Uncertain significance for Inborn genetic diseases. Last evaluated: 2025-10-23. Review status: criteria provided, single submitter. Criteria: Ambry Variant Classification Scheme 2023. Collection method: clinical testing. Allele origin: germline.

Greenwood Genetic Center Diagnostic Laboratories, Greenwood Genetic Center
Classification: Uncertain significance. Last evaluated: 2021-04-01. Review status: criteria provided, single submitter. Criteria: ACMG Guidelines, 2015. Collection method: clinical testing. Allele origin: germline. Affected: yes.
Comment: PM2